The following is an entry in ClinVar:

NM_002860.4(ALDH18A1):c.2253A>G (p.Pro751=)

Gene: ALDH18A1 (aldehyde dehydrogenase 18 family member A1; minus strand). Cytogenetic location: 10q24.1.
Variant type: single nucleotide variant.
Coding change: c.2253A>G on transcript NM_002860.4 (MANE Select); coding-DNA position 2253, A replaced by G.
Protein change: p.Pro751=; no amino-acid change (proline 751 retained).
Molecular consequence: synonymous variant.
Genome position (GRCh38, 1-based): chr10:95,606,897, T>C on the plus strand (A>G on the coding strand, the complement: ALDH18A1 is on the minus strand). VCF-style: chr10-95606897-T-C. GRCh37 (hg19) VCF-style: chr10-97366654-T-C.
Other names: c.2247A>G, p.Pro749= (NM_001017423.2, NM_001323415.2); c.1920A>G, p.Pro640= (NM_001323412.2, NM_001323416.2); c.2253A>G, p.Pro751= (NM_001323413.2, NM_001323414.2); c.2148A>G, p.Pro716= (NM_001323417.2); c.1914A>G, p.Pro638= (NM_001323418.2); c.1617A>G, p.Pro539= (NM_001323419.2).
Identifiers: ClinVar variation 4782747 (VCV004782747.1).

ClinVar aggregate classification (germline): Uncertain significance (1 of 4 stars; one submission).

Conditions:
Cutis laxa, autosomal dominant 3 (ADCL3). Identifiers: Orphanet 90348, MedGen C4225268, MONDO:0014706, OMIM 616603.
Autosomal dominant spastic paraplegia type 9. Identifiers: MedGen C1832669, MONDO:0015091.
de Barsy syndrome. Also called: Cutis laxa-corneal clouding-oligophrenia syndrome. Identifiers: Orphanet 2962, MedGen C0268354, MONDO:0017569.

Submission:

Labcorp Genetics (formerly Invitae), Labcorp
Classification: Uncertain significance for Autosomal dominant spastic paraplegia type 9; de Barsy syndrome; Cutis laxa, autosomal dominant 3. Last evaluated: 2025-11-12. Review status: criteria provided, single submitter. Criteria: Invitae Variant Classification Sherloc (09022015). Collection method: clinical testing. Allele origin: germline.
Comment: This sequence change affects codon 751 of the ALDH18A1 mRNA. It is a 'silent' change, meaning that it does not change the encoded amino acid sequence of the ALDH18A1 protein. This variant is present in population databases (rs769707204, gnomAD 0.01%). This variant has not been reported in the literature in individuals affected with ALDH18A1-related conditions. Algorithms developed to predict the effect of sequence changes on RNA splicing suggest that this variant may create or strengthen a splice site. In summary, the available evidence is currently insufficient to determine the role of this variant in disease. Therefore, it has been classified as a Variant of Uncertain Significance.